The following is an entry in ClinVar:

ClinVar aggregate classification (germline): Uncertain significance (1 of 4 stars; one submission).

Submission:

Labcorp Genetics (formerly Invitae), Labcorp
Classification: Uncertain significance. Last evaluated: 2024-02-22. Review status: criteria provided, single submitter. Criteria: Invitae Variant Classification Sherloc (09022015). Collection method: clinical testing. Allele origin: germline.
Comment: This sequence change replaces alanine, which is neutral and non-polar, with glycine, which is neutral and non-polar, at codon 1327 of the SCN3A protein (p.Ala1327Gly). This variant is not present in population databases (gnomAD no frequency). This variant has not been reported in the literature in individuals affected with SCN3A-related conditions. Advanced modeling of protein sequence and biophysical properties (such as structural, functional, and spatial information, amino acid conservation, physicochemical variation, residue mobility, and thermodynamic stability) performed at Invitae indicates that this missense variant is expected to disrupt SCN3A protein function with a positive predictive value of 80%. In summary, the available evidence is currently insufficient to determine the role of this variant in disease. Therefore, it has been classified as a Variant of Uncertain Significance.

NM_006922.4(SCN3A):c.3980C>G (p.Ala1327Gly)

Gene: SCN3A (sodium voltage-gated channel alpha subunit 3; minus strand). Cytogenetic location: 2q24.3.
Variant type: single nucleotide variant.
Coding change: c.3980C>G on transcript NM_006922.4 (MANE Select); coding-DNA position 3980, C replaced by G.
Protein change: p.Ala1327Gly; replaces alanine 1327 with glycine.
Molecular consequence: missense variant.
Genome position (GRCh38, 1-based): chr2:165,097,511, G>C on the plus strand (C>G on the coding strand, the complement: SCN3A is on the minus strand). VCF-style: chr2-165097511-G-C. GRCh37 (hg19) VCF-style: chr2-165954021-G-C.
Other names: c.3833C>G, p.Ala1278Gly (NM_001081676.2, NM_001081677.2); short protein forms A1278G, A1327G.
Identifiers: ClinVar variation 3642461 (VCV003642461.2).
Genomic context (GRCh38, chr2:165,097,511, plus strand): 5'-AACCAGAAGATGAGACAGACCAACAGCACATTCATGATAGAGGGAATTGCTCCAACAAGA[G>C]CATTCACAACCACCTAGAAGAGACAGCGAGGGGAACATAGCTTACAAACCTTTTGAATGG-3'
Protein context (NP_008853.3, residues 1317-1337): RFEGMRVVVN[Ala1327Gly]LVGAIPSIMN